The following is an entry in ClinVar:

ClinVar aggregate classification (germline): Pathogenic (1 of 4 stars; one submission).

Conditions:
Duchenne muscular dystrophy (DMD). Also called: MUSCULAR DYSTROPHY, PSEUDOHYPERTROPHIC PROGRESSIVE, DUCHENNE TYPE; Duchenne Muscular Dystrophy (DMD). Identifiers: Orphanet 98896, MedGen C0013264, MONDO:0010679, OMIM 310200.

Submission:

Labcorp Genetics (formerly Invitae), Labcorp
Classification: Pathogenic for Duchenne muscular dystrophy. Last evaluated: 2019-10-21. Review status: criteria provided, single submitter. Criteria: Invitae Variant Classification Sherloc (09022015). Collection method: clinical testing. Allele origin: germline.
Comment: This variant is not present in population databases (ExAC no frequency). This sequence change creates a premature translational stop signal (p.Lys2618*) in the DMD gene. It is expected to result in an absent or disrupted protein product. This variant has not been reported in the literature in individuals with DMD-related conditions. Loss-of-function variants in DMD are known to be pathogenic (PMID: 16770791, 25007885). For these reasons, this variant has been classified as Pathogenic.

Literature cited by the submitters: PubMed 16770791; PubMed 25007885.

NM_004006.3(DMD):c.7852A>T (p.Lys2618Ter)

Gene: DMD (dystrophin; minus strand). Cytogenetic location: Xp21.1.
Variant type: single nucleotide variant.
Coding change: c.7852A>T on transcript NM_004006.3 (MANE Select); coding-DNA position 7852, A replaced by T.
Protein change: p.Lys2618Ter; replaces lysine 2618 with a stop codon.
Molecular consequence: nonsense.
Genome position (GRCh38, 1-based): chrX:31,679,395, T>A on the plus strand (A>T on the coding strand, the complement: DMD is on the minus strand). VCF-style: chrX-31679395-T-A. GRCh37 (hg19) VCF-style: chrX-31697512-T-A.
Other names: c.7828A>T, p.Lys2610Ter (NM_000109.4); c.7840A>T, p.Lys2614Ter (NM_004009.3); c.7483A>T, p.Lys2495Ter (NM_004010.3); c.3829A>T, p.Lys1277Ter (NM_004011.4); c.3820A>T, p.Lys1274Ter (NM_004012.4); c.472A>T, p.Lys158Ter (NM_004013.3, NM_004020.4, NM_004021.3 and 2 more transcripts); short protein forms K1274*, K2610*, K158*, K2614*, K2495*, K2618*, K1277*.
Identifiers: ClinVar variation 971334 (VCV000971334.8), dbSNP rs2082253437, ClinGen allele CA412656591.